The following is an entry in ClinVar:

ClinVar aggregate classification (germline): Pathogenic/Likely pathogenic. Review status: criteria provided, multiple submitters, no conflicts (2 of 4 stars). 2 submissions from 2 submitters: Pathogenic (1); Likely pathogenic (1). Last evaluated 2026-01-21.

Conditions:
Ectodermal dysplasia. Also called: Ectodermal dysplasia syndrome. Identifiers: Orphanet 79373, MedGen C0013575, MONDO:0019287, HP:0000968.

Allele frequency attached by ClinVar (database versions not stated): gnomAD 0.00006; ExAC 0.00004; ESP Exome Variant Server 0.00008.
gnomAD v4.1: 166 of 1,612,224 alleles (0.01%); highest among the groups gnomAD compares: Non-Finnish European, 0.013%; no homozygotes.

Submissions (2):

Genetics Laboratory, Great Ormond Street Hospital NHS Foundation Trust, North Thames Genomic Laboratory Hub
Classification: Likely pathogenic for Ectodermal dysplasia. Last evaluated: 2026-01-21. Review status: criteria provided, single submitter. Criteria: ACGS Best Practice Guidelines for Variant Classification in Rare Disease 2024 v1.2. Collection method: clinical testing. Allele origin: germline. Affected: yes.
Comment: PM2_moderate, PM3_strong

Labcorp Genetics (formerly Invitae), Labcorp
Classification: Pathogenic. Last evaluated: 2025-08-17. Review status: criteria provided, single submitter. Criteria: Invitae Variant Classification Sherloc (09022015). Collection method: clinical testing. Allele origin: germline.
Comment: This sequence change replaces glycine, which is neutral and non-polar, with aspartic acid, which is acidic and polar, at codon 525 of the TSPEAR protein (p.Gly525Asp). This variant is present in population databases (rs146677260, gnomAD 0.006%). This missense change has been observed in individual(s) with ectodermal dysplasia (PMID: 33144682, 34042254; internal data). In at least one individual the data is consistent with being in trans (on the opposite chromosome) from a pathogenic variant. ClinVar contains an entry for this variant (Variation ID: 2713690). Invitae Evidence Modeling of protein sequence and biophysical properties (such as structural, functional, and spatial information, amino acid conservation, physicochemical variation, residue mobility, and thermodynamic stability) indicates that this missense variant is not expected to disrupt TSPEAR protein function with a negative predictive value of 80%. This variant disrupts the p.Gly525 amino acid residue in TSPEAR. Other variant(s) that disrupt this residue have been observed in individuals with TSPEAR-related conditions (internal data), which suggests that this may be a clinically significant amino acid residue. For these reasons, this variant has been classified as Pathogenic.

Literature cited by the submitters: PubMed 33144682 (cited by Labcorp Genetics (formerly Invitae), Labcorp); PubMed 34042254 (cited by Labcorp Genetics (formerly Invitae), Labcorp).

NM_144991.3(TSPEAR):c.1574G>A (p.Gly525Asp)

Genes: TSPEAR (thrombospondin type laminin G domain and EAR repeats; minus strand), TSPEAR-AS1 (TSPEAR antisense RNA 1; plus strand), LOC126653398 (CDK7 strongly-dependent group 2 enhancer GRCh37_chr21:45928270-45929469; plus strand). Cytogenetic location: 21q22.3.
Variant type: single nucleotide variant.
Coding change: c.1574G>A on transcript NM_144991.3 (MANE Select); coding-DNA position 1574, G replaced by A.
Protein change: p.Gly525Asp; replaces glycine 525 with aspartic acid.
Molecular consequence: missense variant. On other transcripts: non-coding transcript variant (1).
Genome position (GRCh38, 1-based): chr21:44,509,379, C>T on the plus strand (G>A on the coding strand, the complement: TSPEAR is on the minus strand). VCF-style: chr21-44509379-C-T. GRCh37 (hg19) VCF-style: chr21-45929262-C-T.
Other names: c.1370G>A, p.Gly457Asp (NM_001272037.2); short protein forms G457D, G525D.
Identifiers: ClinVar variation 2713690 (VCV002713690.4), dbSNP rs146677260, ClinGen allele CA10056445.